The following is an entry in ClinVar:

NM_000329.3(RPE65):c.336C>A (p.Cys112Ter)

Gene: RPE65 (retinoid isomerohydrolase RPE65; minus strand). Cytogenetic location: 1p31.3.
Variant type: single nucleotide variant.
Coding change: c.336C>A on transcript NM_000329.3 (MANE Select); coding-DNA position 336, C replaced by A.
Protein change: p.Cys112Ter; replaces cysteine 112 with a stop codon.
Molecular consequence: nonsense. On other transcripts: intron variant (1).
Genome position (GRCh38, 1-based): chr1:68,444,793, G>T on the plus strand (C>A on the coding strand, the complement: RPE65 is on the minus strand). VCF-style: chr1-68444793-G-T. GRCh37 (hg19) VCF-style: chr1-68910476-G-T.
Other names: c.336C>A (NM_000329.2); c.60C>A, p.Cys20Ter (NM_001406856.1, NM_001406857.1); c.336C>A, p.Cys112Ter (NM_001406859.1, NM_001406860.1); c.246-121C>A (NM_001406853.1); short protein forms C112*, C20*.
Identifiers: ClinVar variation 2947018 (VCV002947018.4), dbSNP rs1448061146, ClinGen allele CA340748160.

ClinVar aggregate classification (germline): Pathogenic/Likely pathogenic. Review status: criteria provided, multiple submitters, no conflicts (2 of 4 stars). 2 submissions from 2 submitters: Pathogenic (1); Likely pathogenic (1). Last evaluated 2024-03-11.

Conditions:
Leber congenital amaurosis (LCA). Also called: Leber's amaurosis. Identifiers: Orphanet 65, MedGen C0339527, MeSH D057130, MONDO:0018998.
Leber congenital amaurosis 2 (LCA2). Also called: Autosomal Recessive RPE65-Related Retinal Degeneration; AMAUROSIS CONGENITA OF LEBER II. Identifiers: Orphanet 65, MedGen C1859844, MONDO:0008765, OMIM 204100. Disease mechanism: loss of function.
Retinitis pigmentosa 20 (RP20). Identifiers: Orphanet 791, MedGen C3151086, MONDO:0013425, OMIM 613794.

gnomAD v4.1: 2 of 1,614,116 alleles (0.00012%); highest among the groups gnomAD compares: Non-Finnish European, 0.00017%; no homozygotes.

Submissions (2):

Natera, Inc.
Classification: Likely pathogenic for Leber congenital amaurosis. Last evaluated: 2024-03-11. Review status: criteria provided, single submitter. Criteria: Natera Variant Classification Schema (03/2026). Collection method: clinical testing. Allele origin: germline.
Comment: The c.336C>A variant in RPE65 is a nonsense variant predicted to introduce a stop codon at amino acid 112. This variant is expected to result in nonsense mediated decay, truncation, or a dysfunctional protein product. This variant is rare in the general population with a frequency below the threshold expected for the associated phenotype(s). Given the available evidence, this variant is classified as Likely Pathogenic.

Labcorp Genetics (formerly Invitae), Labcorp
Classification: Pathogenic for Leber congenital amaurosis 2; Retinitis pigmentosa 20. Last evaluated: 2023-04-22. Review status: criteria provided, single submitter. Criteria: Invitae Variant Classification Sherloc (09022015). Collection method: clinical testing. Allele origin: germline.
Comment: This variant has not been reported in the literature in individuals affected with RPE65-related conditions. This variant is present in population databases (no rsID available, gnomAD 0.0009%). This sequence change creates a premature translational stop signal (p.Cys112*) in the RPE65 gene. It is expected to result in an absent or disrupted protein product. Loss-of-function variants in RPE65 are known to be pathogenic (PMID: 9326941, 9501220, 9843205, 18632300). Algorithms developed to predict the effect of sequence changes on RNA splicing suggest that this variant may disrupt the consensus splice site. For these reasons, this variant has been classified as Pathogenic.

Literature cited by the submitters: PubMed 9326941 (cited by Labcorp Genetics (formerly Invitae), Labcorp); PubMed 9501220 (cited by Labcorp Genetics (formerly Invitae), Labcorp); PubMed 9843205 (cited by Labcorp Genetics (formerly Invitae), Labcorp); PubMed 18632300 (cited by Labcorp Genetics (formerly Invitae), Labcorp).